The following is an entry in ClinVar:

ClinVar aggregate classification (germline): Pathogenic (1 of 4 stars; one submission).

Conditions:
Deficiency of beta-ureidopropionase (UPB1D). Also called: Beta-ureidopropionase deficiency. Identifiers: Orphanet 65287, MedGen C1291512, MONDO:0013164, OMIM 613161.

Allele frequency attached by ClinVar (database versions not stated): gnomAD exomes below 0.00001.

Submission:

Women's Health and Genetics/Laboratory Corporation of America, LabCorp
Classification: Pathogenic for Deficiency of beta-ureidopropionase. Last evaluated: 2024-03-18. Review status: criteria provided, single submitter. Criteria: LabCorp Variant Classification Summary - May 2015. Collection method: clinical testing. Allele origin: germline.
Comment: Variant summary: UPB1 c.254delC (p.Ala85GlufsX16) results in a premature termination codon, predicted to cause absence of the protein due to nonsense mediated decay, which is a commonly known mechanism for disease. The variant allele was found at a frequency of 4e-06 in 251032 control chromosomes (gnomAD). To our knowledge, no occurrence of c.254delC in individuals affected with Deficiency Of Beta-Ureidopropionase and no experimental evidence demonstrating its impact on protein function have been reported. No submitters have cited clinical-significance assessments for this variant to ClinVar. Based on the evidence outlined above, the variant was classified as pathogenic.

NM_016327.3(UPB1):c.254del (p.Ala85fs)

Gene: UPB1 (beta-ureidopropionase 1; plus strand). Cytogenetic location: 22q11.23.
Variant type: Deletion.
Coding change: c.254del on transcript NM_016327.3 (MANE Select); coding-DNA position 254, one base deleted (C; older notation c.254delC).
Protein change: p.Ala85fs; shifts the reading frame from alanine 85.
Molecular consequence: frameshift variant.
Genome position (GRCh38, 1-based): chr22:24,500,256, C deleted. VCF-style (leftmost placement, unchanged base first): chr22-24500255-GC-G. GRCh37 (hg19) VCF-style: chr22-24896223-GC-G.
Other names: c.254delC (NM_016327.3); short protein forms A85fs.
Identifiers: ClinVar variation 3233897 (VCV003233897.2), dbSNP rs1568979622, ClinGen allele CA638952361.
Genomic context (GRCh38, chr22:24,500,255, plus strand): 5'-CAGCTGAGACGACCCCGCATTGTGCACGTGGGGCTGGTTCAGAACAGAATCCCCCTCCCC[GC>G]AAATGCCCCTGTGGCAGAACAGGTGCAGACTCTTTTGACCATAATAAATACACAAACAGG-3'